The following is an entry in ClinVar:

ClinVar aggregate classification (germline): Uncertain significance (1 of 4 stars; one submission).

Allele frequency attached by ClinVar (database versions not stated): gnomAD exomes below 0.00001.
gnomAD v4.1: 1 of 1,613,990 alleles (0.000062%); highest among the groups gnomAD compares: Non-Finnish European, 0.000085%; no homozygotes.

Submission:

CeGaT Center for Human Genetics Tuebingen
Classification: Uncertain significance. Last evaluated: 2024-03-01. Review status: criteria provided, single submitter. Criteria: CeGaT Center For Human Genetics Tuebingen Variant Classification Criteria Version 2. Collection method: clinical testing. Allele origin: germline. Affected: yes. Observed: 1 variant allele.
Comment: APC: PM2

NM_000038.6(APC):c.1759A>C (p.Ser587Arg)

Gene: APC (APC regulator of Wnt signaling pathway; plus strand). Cytogenetic location: 5q22.2.
Variant type: single nucleotide variant.
Coding change: c.1759A>C on transcript NM_000038.6 (MANE Select); coding-DNA position 1759, A replaced by C.
Protein change: p.Ser587Arg; replaces serine 587 with arginine.
Molecular consequence: missense variant. On other transcripts: non-coding transcript variant (2).
Genome position (GRCh38, 1-based): chr5:112,834,966, A>C. VCF-style: chr5-112834966-A-C. GRCh37 (hg19) VCF-style: chr5-112170663-A-C.
Other names: c.1759A>C, p.Ser587Arg (NM_001127510.3, NM_001354895.2, NM_001407450.1); c.1705A>C, p.Ser569Arg (NM_001127511.3); c.1813A>C, p.Ser605Arg (NM_001354896.2, NM_001407448.1, NM_001407449.1 and 1 more transcripts); c.1789A>C, p.Ser597Arg (NM_001354897.2); c.1684A>C, p.Ser562Arg (NM_001354898.2); c.1738A>C, p.Ser580Arg (NM_001407451.1); c.1729A>C, p.Ser577Arg (NM_001407452.1); c.1582A>C, p.Ser528Arg (NM_001407453.1, NM_001354901.2); and 11 more; short protein forms S203R, S304R, S427R, S458R, S461R, S486R, S496R, S504R.
Identifiers: ClinVar variation 3067667 (VCV003067667.21), dbSNP rs2149841028, ClinGen allele CA16025159.